The following is an entry in ClinVar:

ClinVar aggregate classification (germline): Uncertain significance (1 of 4 stars; one submission).

Submission:

Labcorp Genetics (formerly Invitae), Labcorp
Classification: Uncertain significance. Last evaluated: 2022-06-23. Review status: criteria provided, single submitter. Criteria: Invitae Variant Classification Sherloc (09022015). Collection method: clinical testing. Allele origin: germline.
Comment: In summary, the available evidence is currently insufficient to determine the role of this variant in disease. Therefore, it has been classified as a Variant of Uncertain Significance. Algorithms developed to predict the effect of missense changes on protein structure and function are either unavailable or do not agree on the potential impact of this missense change (SIFT: "Deleterious"; PolyPhen-2: "Benign"; Align-GVGD: "Class C0"). This variant has not been reported in the literature in individuals affected with CAD-related conditions. This variant is not present in population databases (gnomAD no frequency). This sequence change replaces histidine, which is basic and polar, with tyrosine, which is neutral and polar, at codon 1481 of the CAD protein (p.His1481Tyr).

NM_004341.5(CAD):c.4441C>T (p.His1481Tyr)

Gene: CAD (carbamoyl-phosphate synthetase 2, aspartate transcarbamylase, and dihydroorotase; plus strand). Cytogenetic location: 2p23.3.
Variant type: single nucleotide variant.
Coding change: c.4441C>T on transcript NM_004341.5 (MANE Select); coding-DNA position 4441, C replaced by T.
Protein change: p.His1481Tyr; replaces histidine 1481 with tyrosine.
Molecular consequence: missense variant.
Genome position (GRCh38, 1-based): chr2:27,237,423, C>T. VCF-style: chr2-27237423-C-T. GRCh37 (hg19) VCF-style: chr2-27460291-C-T.
Other names: c.4252C>T, p.His1418Tyr (NM_001306079.2); short protein forms H1481Y, H1418Y.
Identifiers: ClinVar variation 2101902 (VCV002101902.4), dbSNP rs2465345277, ClinGen allele CA346219768.